The following is an entry in ClinVar:

ClinVar aggregate classification (germline): Uncertain significance. Review status: criteria provided, multiple submitters, no conflicts (2 of 4 stars). 3 submissions from 3 submitters: Uncertain significance (3). Last evaluated 2025-05-21.

Allele frequency attached by ClinVar (database versions not stated): ExAC 0.00004; ESP Exome Variant Server 0.00008; 1000 Genomes Project 0.00020; 1000 Genomes Project 30x 0.00031.
gnomAD v4.1: 16 of 1,614,000 alleles (0.00099%); highest among the groups gnomAD compares: African/African-American, 0.0053%; no homozygotes.

Submissions (3):

Labcorp Genetics (formerly Invitae), Labcorp
Classification: Uncertain significance. Last evaluated: 2025-05-21. Review status: criteria provided, single submitter. Criteria: Invitae Variant Classification Sherloc (09022015). Collection method: clinical testing. Allele origin: germline.
Comment: This sequence change replaces serine, which is neutral and polar, with leucine, which is neutral and non-polar, at codon 513 of the FAM65B protein (p.Ser513Leu). This variant is present in population databases (rs376099487, gnomAD 0.01%). This variant has not been reported in the literature in individuals affected with FAM65B-related conditions. ClinVar contains an entry for this variant (Variation ID: 3154614). An algorithm developed to predict the effect of missense changes on protein structure and function outputs the following: PolyPhen-2: "Benign". The leucine amino acid residue is found in multiple mammalian species, which suggests that this missense change does not adversely affect protein function. In summary, the available evidence is currently insufficient to determine the role of this variant in disease. Therefore, it has been classified as a Variant of Uncertain Significance.

Blueprint Genetics
Classification: Uncertain significance. Last evaluated: 2024-10-09. Review status: criteria provided, single submitter. Criteria: ACMG Guidelines, 2015. Collection method: clinical testing. Allele origin: germline.

Ambry Genetics
Classification: Uncertain significance. Last evaluated: 2024-03-05. Review status: criteria provided, single submitter. Criteria: Ambry Variant Classification Scheme 2023. Collection method: clinical testing. Allele origin: germline.

NM_001286445.3(RIPOR2):c.1475C>T (p.Ser492Leu)

Gene: RIPOR2 (RHO family interacting cell polarization regulator 2; minus strand). Cytogenetic location: 6p22.3.
Variant type: single nucleotide variant.
Coding change: c.1475C>T on transcript NM_001286445.3 (MANE Select); coding-DNA position 1475, C replaced by T.
Protein change: p.Ser492Leu; replaces serine 492 with leucine.
Molecular consequence: missense variant.
Genome position (GRCh38, 1-based): chr6:24,843,244, G>A on the plus strand (C>T on the coding strand, the complement: RIPOR2 is on the minus strand). VCF-style: chr6-24843244-G-A. GRCh37 (hg19) VCF-style: chr6-24843472-G-A.
Other names: c.1490C>T, p.Ser497Leu (NM_001286446.3); c.1388C>T, p.Ser463Leu (NM_001286447.2, NM_001346031.2, NM_001346032.2 and 1 more transcripts); c.1538C>T, p.Ser513Leu (NM_014722.5); short protein forms S492L, S463L, S497L, S513L.
Identifiers: ClinVar variation 3154614 (VCV003154614.4), dbSNP rs376099487, ClinGen allele CA3659246.